The following is an entry in ClinVar:

NM_201384.3(PLEC):c.10835G>C (p.Arg3612Pro)

Gene: PLEC (plectin; minus strand). Cytogenetic location: 8q24.3.
Variant type: single nucleotide variant.
Coding change: c.10835G>C on transcript NM_201384.3 (MANE Select); coding-DNA position 10835, G replaced by C.
Protein change: p.Arg3612Pro; replaces arginine 3612 with proline.
Molecular consequence: missense variant.
Genome position (GRCh38, 1-based): chr8:143,918,986, C>G on the plus strand (G>C on the coding strand, the complement: PLEC is on the minus strand). VCF-style: chr8-143918986-C-G. GRCh37 (hg19) VCF-style: chr8-144993154-C-G.
Other names: c.10916G>C, p.Arg3639Pro (NM_000445.5); c.7535G>C, p.Arg2512Pro (NM_001410941.1); c.10793G>C, p.Arg3598Pro (NM_201378.4); c.10769G>C, p.Arg3590Pro (NM_201379.3); c.11246G>C, p.Arg3749Pro (NM_201380.4); c.10739G>C, p.Arg3580Pro (NM_201381.3); c.10835G>C, p.Arg3612Pro (NM_201382.4); c.10847G>C, p.Arg3616Pro (NM_201383.3); and 1 more; short protein forms R3590P, R3639P, R3598P, R3749P, R3612P, R2512P, R3580P, R3616P.
Identifiers: ClinVar variation 2941729 (VCV002941729.4), dbSNP rs369226598, ClinGen allele CA372496311.

ClinVar aggregate classification (germline): Uncertain significance. Review status: criteria provided, multiple submitters, no conflicts (2 of 4 stars). 2 submissions from 2 submitters: Uncertain significance (2). Last evaluated 2026-01-05.

Conditions:
Inborn genetic diseases. Identifiers: MedGen C0950123, MeSH D030342.
Epidermolysis bullosa simplex with nail dystrophy (EBS5D). Identifiers: MedGen C4225309, MONDO:0014661, OMIM 616487.
Epidermolysis bullosa simplex, Ogna type (EBS5A). Also called: Pidermolysis bullosa simplex 5A, Ogna type; EPIDERMOLYSIS BULLOSA SIMPLEX 5A, OGNA TYPE. Identifiers: Orphanet 79401, MedGen C0432317, MONDO:0007555, OMIM 131950.
Autosomal recessive limb-girdle muscular dystrophy type 2Q (LGMDR17). Also called: MUSCULAR DYSTROPHY, LIMB-GIRDLE, AUTOSOMAL RECESSIVE 17. Identifiers: Orphanet 254361, MedGen C3150989, MONDO:0013390, OMIM 613723.
Epidermolysis bullosa simplex 5B, with muscular dystrophy (EBS5B). Also called: EPIDERMOLYSIS BULLOSA SIMPLEX AND LIMB-GIRDLE MUSCULAR DYSTROPHY; Epidermolysis bullosa simplex with muscular dystrophy. Identifiers: Orphanet 257, MedGen C2931072, MONDO:0009181, OMIM 226670.
Epidermolysis bullosa simplex 5C, with pyloric atresia (EBS5C). Also called: PLEC-Related Epidermolysis Bullosa with Pyloric Atresia; Epidermolysis bullosa simplex with pyloric atresia; PLEC1-Related Epidermolysis Bullosa with Pyloric Atresia. Identifiers: Orphanet 158684, MedGen C2677349, MONDO:0012807, OMIM 612138.

Submissions (2):

Labcorp Genetics (formerly Invitae), Labcorp
Classification: Uncertain significance for Autosomal recessive limb-girdle muscular dystrophy type 2Q; Epidermolysis bullosa simplex, Ogna type; Epidermolysis bullosa simplex with nail dystrophy; Epidermolysis bullosa simplex 5C, with pyloric atresia; Epidermolysis bullosa simplex 5B, with muscular dystrophy. Last evaluated: 2026-01-05. Review status: criteria provided, single submitter. Criteria: Invitae Variant Classification Sherloc (09022015). Collection method: clinical testing. Allele origin: germline.
Comment: This sequence change replaces arginine, which is basic and polar, with proline, which is neutral and non-polar, at codon 3639 of the PLEC protein (p.Arg3639Pro). This variant is not present in population databases (gnomAD no frequency). This variant has not been reported in the literature in individuals affected with PLEC-related conditions. ClinVar contains an entry for this variant (Variation ID: 2941729). An algorithm developed to predict the effect of missense changes on protein structure and function (PolyPhen-2) suggests that this variant is likely to be disruptive. In summary, the available evidence is currently insufficient to determine the role of this variant in disease. Therefore, it has been classified as a Variant of Uncertain Significance.

Ambry Genetics
Classification: Uncertain significance for Inborn genetic diseases. Last evaluated: 2025-10-30. Review status: criteria provided, single submitter. Criteria: Ambry Variant Classification Scheme 2023. Collection method: clinical testing. Allele origin: germline.